The following is an entry in ClinVar:

NM_000133.4(F9):c.1325G>T (p.Gly442Val)

Gene: F9 (coagulation factor IX; plus strand). Cytogenetic location: Xq27.1.
Variant type: single nucleotide variant.
Coding change: c.1325G>T on transcript NM_000133.4 (MANE Select); coding-DNA position 1325, G replaced by T.
Protein change: p.Gly442Val; replaces glycine 442 with valine.
Molecular consequence: missense variant.
Genome position (GRCh38, 1-based): chrX:139,562,010, G>T. VCF-style: chrX-139562010-G-T. GRCh37 (hg19) VCF-style: chrX-138644169-G-T.
Other names: NM_001313913.2:c.1211G>T; c.1211G>T, p.Gly404Val (NM_001313913.2); short protein forms G404V, G442V.
Identifiers: ClinVar variation 3242384 (VCV003242384.1), dbSNP rs1603267474.
Genomic context (GRCh38, chrX:139,562,010, plus strand): 5'-CCAGTTTCTTAACTGGAATTATTAGCTGGGGTGAAGAGTGTGCAATGAAAGGCAAATATG[G>T]AATATATACCAAGGTATCCCGGTATGTCAACTGGATTAAGGAAAAAACAAAGCTCACTTA-3'
Protein context (NP_000124.1, residues 432-452): GEECAMKGKY[Gly442Val]IYTKVSRYVN

ClinVar aggregate classification (germline): Likely pathogenic (3 of 4 stars; one submission).

Conditions:
Hereditary factor IX deficiency disease (HEMB). Also called: F9 DEFICIENCY; FACTOR IX DEFICIENCY; PLASMA THROMBOPLASTIN COMPONENT DEFICIENCY; Hemophilia B; Christmas Disease. Identifiers: Orphanet 98879, MedGen C0008533, MeSH D002836, MONDO:0010604, OMIM 306900.

Submission:

ClinGen Coagulation Factor Deficiency Variant Curation Expert Panel, Clingen
Classification: Likely pathogenic for Hereditary factor IX deficiency disease. Last evaluated: 2024-05-09. Review status: reviewed by expert panel. Criteria: ClinGen CoagFactor ACMG Specifications F9 V1.0.0. Collection method: curation. Allele origin: germline. Inheritance: X-linked inheritance.
Comment: The c.1325G>T (NM_000133.4) variant in F9 is a missense variant predicted to cause substitution of Glycine by Valine at amino acid 442 (p.Gly442Val). This variant has been reported in at least 2 probands meeting the hemophilia B phenotype criteria specified by the Coagulation Factor Deficiency VCEP (PS4_Moderate; PMID: 34590426). This variant is absent from gnomAD v2.1.1 and v3.1.1 (PM2_Supporting). The computational predictor REVEL gives a score of 0.906, which is above the threshold of 0.6, evidence that correlates with impact to F9 function (PP3). Another missense variant c.1234G>A, p.Gly442Arg in the same codon has been classified as pathogenic for hemophilia B by the ClinGen Coagulation Factor Deficiency VCEP (PM5). In summary, this variant meets the criteria to be classified as Likely Pathogenic for X-linked recessive hemophilia B based on the ACMG/AMP criteria applied, as specified by the ClinGen Coagulation Factor Deficiency VCEP: PM5, PS4_Moderate, PP3, PM2_Supporting. (ClinGen Coagulation Factor Deficiency Expert Panel Specifications to the ACMG/AMP Variant Interpretation Guidelines for F9 Version 1.0.0., Released 10/5/2023)